The following is an entry in ClinVar:

NM_006311.4(NCOR1):c.6332A>C (p.His2111Pro)

Gene: NCOR1 (nuclear receptor corepressor 1; minus strand). Cytogenetic location: 17p12.
Variant type: single nucleotide variant.
Coding change: c.6332A>C on transcript NM_006311.4 (MANE Select); coding-DNA position 6332, A replaced by C.
Protein change: p.His2111Pro; replaces histidine 2111 with proline.
Molecular consequence: missense variant.
Genome position (GRCh38, 1-based): chr17:16,057,574, T>G on the plus strand (A>C on the coding strand, the complement: NCOR1 is on the minus strand). VCF-style: chr17-16057574-T-G. GRCh37 (hg19) VCF-style: chr17-15960888-T-G.
Other names: c.6023A>C, p.His2008Pro (NM_001190440.2); short protein forms H2008P, H2111P.
Identifiers: ClinVar variation 2672166 (VCV002672166.1), dbSNP rs2550759263, ClinGen allele CA398403075.

ClinVar aggregate classification (germline): Uncertain significance (1 of 4 stars; one submission).

gnomAD v4.1: 1 of 1,614,176 alleles (0.000062%); highest among the groups gnomAD compares: Non-Finnish European, 0.000085%; no homozygotes.

Submission:

Clinical Genomics Laboratory, Washington University in St. Louis
Classification: Uncertain significance. Last evaluated: 2023-10-23. Review status: criteria provided, single submitter. Criteria: ACMG Guidelines, 2015. Collection method: clinical testing. Allele origin: germline.
Comment: The NCOR1 c.6332A>C (p.His2111Pro) variant, to our knowledge, has not been reported in the medical literature and is absent from the general population (gnomAD v.2.1.1), indicating it is not a common variant. This variant occurs in a disordered domain without known function and computational predictors suggest that the variant does not impact NCOR1 function. Due to limited information, the clinical significance of this variant is uncertain.